The following is an entry in ClinVar:

ClinVar aggregate classification (germline): Uncertain significance. Review status: criteria provided, multiple submitters, no conflicts (2 of 4 stars). 2 submissions from 2 submitters: Uncertain significance (2). Last evaluated 2026-07-25.

Conditions:
LRRC45-related disorder. Also called: LRRC45-related condition.

Allele frequency attached by ClinVar (database versions not stated): gnomAD exomes 0.00002; gnomAD 0.00003; TOPMed 0.00003.
gnomAD v4.1: 36 of 1,429,690 alleles (0.0025%); highest among the groups gnomAD compares: Middle Eastern, 0.019%; no homozygotes.

Submissions (2):

PreventionGenetics, part of Exact Sciences
Classification: Uncertain significance for LRRC45-related condition. Last evaluated: 2026-07-25. Review status: criteria provided, single submitter. Criteria: ACMG Guidelines, 2015. Collection method: clinical testing. Allele origin: germline.
Comment: The LRRC45 c.1861G>A variant is predicted to result in the amino acid substitution p.Glu621Lys. To our knowledge, this variant has not been reported in the literature or in large population databases. At this time, the clinical significance of this variant is uncertain due to the absence of conclusive functional and genetic evidence.

Ambry Genetics
Classification: Uncertain significance. Last evaluated: 2022-09-28. Review status: criteria provided, single submitter. Criteria: Ambry Variant Classification Scheme 2023. Collection method: clinical testing. Allele origin: germline.

NM_144999.4(LRRC45):c.1861G>A (p.Glu621Lys)

Gene: LRRC45 (leucine rich repeat containing 45; plus strand). Cytogenetic location: 17q25.3.
Variant type: single nucleotide variant.
Coding change: c.1861G>A on transcript NM_144999.4 (MANE Select); coding-DNA position 1861, G replaced by A.
Protein change: p.Glu621Lys; replaces glutamic acid 621 with lysine.
Molecular consequence: missense variant.
Genome position (GRCh38, 1-based): chr17:82,030,653, G>A. VCF-style: chr17-82030653-G-A. GRCh37 (hg19) VCF-style: chr17-79988529-G-A.
Other names: c.1861G>A (NM_144999.3); short protein forms E621K.
Identifiers: ClinVar variation 2281711 (VCV002281711.3), dbSNP rs909656732, ClinGen allele CA295137138.